The following is an entry in ClinVar:

ClinVar aggregate classification (germline): Uncertain significance (1 of 4 stars; one submission).

Conditions:
Alpha-N-acetylgalactosaminidase deficiency type 1. Also called: SCHINDLER DISEASE, TYPE I; ALPHA-N-ACETYLGALACTOSAMINIDASE DEFICIENCY, TYPE I; NAGA DEFICIENCY, TYPE I; NEUROAXONAL DYSTROPHY, SCHINDLER TYPE. Identifiers: Orphanet 3137, Orphanet 79279, Orphanet 79281, MedGen C1836544, MONDO:0012221, OMIM 609241.

Allele frequency attached by ClinVar (database versions not stated): gnomAD exomes below 0.00001; TOPMed below 0.00001.
gnomAD v4.1: 2 of 1,613,304 alleles (0.00012%); highest among the groups gnomAD compares: Non-Finnish European, 0.00017%; no homozygotes.

Submission:

Labcorp Genetics (formerly Invitae), Labcorp
Classification: Uncertain significance for Alpha-N-acetylgalactosaminidase deficiency type 1. Last evaluated: 2018-04-11. Review status: criteria provided, single submitter. Criteria: Invitae Variant Classification Sherloc (09022015). Collection method: clinical testing. Allele origin: germline.
Comment: In summary, the available evidence is currently insufficient to determine the role of this variant in disease. Therefore, it has been classified as a Variant of Uncertain Significance. Algorithms developed to predict the effect of missense changes on protein structure and function (SIFT, PolyPhen-2, Align-GVGD) all suggest that this variant is likely to be tolerated, but these predictions have not been confirmed by published functional studies and their clinical significance is uncertain. This variant has not been reported in the literature in individuals with NAGA-related disease. This variant is not present in population databases (ExAC no frequency). This sequence change replaces serine with threonine at codon 409 of the NAGA protein (p.Ser409Thr). The serine residue is weakly conserved and there is a small physicochemical difference between serine and threonine.

NM_000262.3(NAGA):c.1225T>A (p.Ser409Thr)

Gene: NAGA (alpha-N-acetylgalactosaminidase; minus strand). Cytogenetic location: 22q13.2.
Variant type: single nucleotide variant.
Coding change: c.1225T>A on transcript NM_000262.3 (MANE Select); coding-DNA position 1225, T replaced by A.
Protein change: p.Ser409Thr; replaces serine 409 with threonine.
Molecular consequence: missense variant.
Genome position (GRCh38, 1-based): chr22:42,060,290, A>T on the plus strand (T>A on the coding strand, the complement: NAGA is on the minus strand). VCF-style: chr22-42060290-A-T. GRCh37 (hg19) VCF-style: chr22-42456294-A-T.
Other names: c.1225T>A, p.Ser409Thr (NM_001362848.1, NM_001362850.1); short protein forms S409T.
Identifiers: ClinVar variation 576897 (VCV000576897.8), dbSNP rs1569456853, ClinGen allele CA411765449.